The following is an entry in ClinVar:

ClinVar aggregate classification (germline): Uncertain significance. Review status: criteria provided, multiple submitters, no conflicts (2 of 4 stars). 2 submissions from 2 submitters: Uncertain significance (2). Last evaluated 2023-12-01.

Conditions:
Familial cancer of breast. Also called: BREAST CANCER, FAMILIAL; hereditary breast carcinoma; Hereditary breast cancer. Identifiers: Orphanet 227535, MedGen C0346153, MONDO:0016419, OMIM 114480. Disease mechanism: loss of function.

Allele frequency attached by ClinVar (database versions not stated): gnomAD exomes below 0.00001.
gnomAD v4.1: 1 of 1,613,986 alleles (0.000062%); highest among the groups gnomAD compares: Non-Finnish European, 0.000085%; no homozygotes.

Submissions (2):

CeGaT Center for Human Genetics Tuebingen
Classification: Uncertain significance. Last evaluated: 2023-12-01. Review status: criteria provided, single submitter. Criteria: CeGaT Center For Human Genetics Tuebingen Variant Classification Criteria Version 2. Collection method: clinical testing. Allele origin: germline. Affected: yes. Observed: 1 variant allele.
Comment: CHEK2: PM2, BP1, BP4

Labcorp Genetics (formerly Invitae), Labcorp
Classification: Uncertain significance for Familial cancer of breast. Last evaluated: 2022-02-18. Review status: criteria provided, single submitter. Criteria: Invitae Variant Classification Sherloc (09022015). Collection method: clinical testing. Allele origin: germline.
Comment: In summary, the available evidence is currently insufficient to determine the role of this variant in disease. Therefore, it has been classified as a Variant of Uncertain Significance. Algorithms developed to predict the effect of sequence changes on RNA splicing suggest that this variant may create or strengthen a splice site. Algorithms developed to predict the effect of missense changes on protein structure and function output the following: SIFT: "Tolerated"; PolyPhen-2: "Benign"; Align-GVGD: "Class C0". The arginine amino acid residue is found in multiple mammalian species, which suggests that this missense change does not adversely affect protein function. ClinVar contains an entry for this variant (Variation ID: 572120). This variant has not been reported in the literature in individuals affected with CHEK2-related conditions. This variant is not present in population databases (gnomAD no frequency). This sequence change replaces glycine, which is neutral and non-polar, with arginine, which is basic and polar, at codon 315 of the CHEK2 protein (p.Gly315Arg).

NM_007194.4(CHEK2):c.943G>A (p.Gly315Arg)

Gene: CHEK2 (checkpoint kinase 2; minus strand). Cytogenetic location: 22q12.1.
Variant type: single nucleotide variant.
Coding change: c.943G>A on transcript NM_007194.4 (MANE Select); coding-DNA position 943, G replaced by A.
Protein change: p.Gly315Arg; replaces glycine 315 with arginine.
Molecular consequence: missense variant.
Genome position (GRCh38, 1-based): chr22:28,699,903, C>T on the plus strand (G>A on the coding strand, the complement: CHEK2 is on the minus strand). VCF-style: chr22-28699903-C-T. GRCh37 (hg19) VCF-style: chr22-29095891-C-T.
Other names: c.1072G>A, p.Gly358Arg (NM_001005735.3); c.280G>A, p.Gly94Arg (NM_001257387.3); c.742G>A, p.Gly248Arg (NM_001349956.3); c.943G>A, p.Gly315Arg (NM_145862.3); short protein forms G315R, G358R, G94R, G248R.
Identifiers: ClinVar variation 572120 (VCV000572120.34), dbSNP rs1569121455, ClinGen allele CA411099975.